The following is an entry in ClinVar:

NM_006282.5(STK4):c.1172C>T (p.Ala391Val)

Gene: STK4 (serine/threonine kinase 4; plus strand). Cytogenetic location: 20q13.12.
Variant type: single nucleotide variant.
Coding change: c.1172C>T on transcript NM_006282.5 (MANE Select); coding-DNA position 1172, C replaced by T.
Protein change: p.Ala391Val; replaces alanine 391 with valine.
Molecular consequence: missense variant.
Genome position (GRCh38, 1-based): chr20:45,024,997, C>T. VCF-style: chr20-45024997-C-T. GRCh37 (hg19) VCF-style: chr20-43653638-C-T.
Other names: c.1172C>T (NM_006282.2); c.1172C>T, p.Ala391Val (NM_001352385.2); short protein forms A391V.
Identifiers: ClinVar variation 641778 (VCV000641778.9), dbSNP rs371924549, ClinGen allele CA9874009.

ClinVar aggregate classification (germline): Uncertain significance. Review status: criteria provided, multiple submitters, no conflicts (2 of 4 stars). 3 submissions from 3 submitters: Uncertain significance (3). Last evaluated 2025-12-10.

Conditions:
Inborn genetic diseases. Identifiers: MedGen C0950123, MeSH D030342.
Combined immunodeficiency due to STK4 deficiency (IMD110). Also called: STK4 DEFICIENCY; MST1 DEFICIENCY; T-cell immunodeficiency, recurrent infections, and autoimmunity with or without cardiac malformations. Identifiers: Orphanet 314689, MedGen C3553943, MONDO:0013934, OMIM 614868.

Allele frequency attached by ClinVar (database versions not stated): ESP Exome Variant Server 0.00008; gnomAD 0.00011 and 0.00014; TOPMed 0.00012.
gnomAD v4.1: 300 of 1,610,700 alleles (0.019%); highest among the groups gnomAD compares: Non-Finnish European, 0.021%; no homozygotes.

Submissions (3):

Labcorp Genetics (formerly Invitae), Labcorp
Classification: Uncertain significance for Combined immunodeficiency due to STK4 deficiency. Last evaluated: 2025-12-10. Review status: criteria provided, single submitter. Criteria: Invitae Variant Classification Sherloc (09022015). Collection method: clinical testing. Allele origin: germline.
Comment: This sequence change replaces alanine, which is neutral and non-polar, with valine, which is neutral and non-polar, at codon 391 of the STK4 protein (p.Ala391Val). This variant is present in population databases (rs371924549, gnomAD 0.04%). This variant has not been reported in the literature in individuals affected with STK4-related conditions. ClinVar contains an entry for this variant (Variation ID: 641778). Invitae Evidence Modeling of protein sequence and biophysical properties (such as structural, functional, and spatial information, amino acid conservation, physicochemical variation, residue mobility, and thermodynamic stability) indicates that this missense variant is not expected to disrupt STK4 protein function with a negative predictive value of 95%. In summary, the available evidence is currently insufficient to determine the role of this variant in disease. Therefore, it has been classified as a Variant of Uncertain Significance.

Blueprint Genetics
Classification: Uncertain significance. Last evaluated: 2024-09-19. Review status: criteria provided, single submitter. Criteria: ACMG Guidelines, 2015. Collection method: clinical testing. Allele origin: germline.

Ambry Genetics
Classification: Uncertain significance for Inborn genetic diseases. Last evaluated: 2021-08-12. Review status: criteria provided, single submitter. Criteria: Ambry Variant Classification Scheme 2023. Collection method: clinical testing. Allele origin: germline.